The following is an entry in ClinVar:

NM_000064.4(C3):c.2246-8_2246-7delinsTG

Gene: C3 (complement C3; minus strand). Cytogenetic location: 19p13.3.
Variant type: Indel.
Coding change: c.2246-8_2246-7delinsTG on transcript NM_000064.4 (MANE Select); 8 bases into the intron before coding-DNA position 2246 through 7 bases into the intron before coding-DNA position 2246, CC replaced by TG.
Molecular consequence: intron variant.
Genome position (GRCh38, 1-based): chr19:6,702,586-6,702,587, GG replaced by CA on the plus strand (CC replaced by TG on the coding strand, the reverse complement: C3 is on the minus strand). VCF-style: chr19-6702586-GG-CA. GRCh37 (hg19) VCF-style: chr19-6702597-GG-CA.
Identifiers: ClinVar variation 4780794 (VCV004780794.1).
Genomic context (GRCh38, chr19:6,702,586, plus strand): 5'-ACTCACTTCGGGAAACGATGTTCTCTTCTGCAATGATGTCCTCATCCAGGTTACCTGCAG[GG>CA]GGTTTAGATCTGCATTTAGAACAGAGCAGGCCAGTTGCCATGGCTCATGCCTGAAATCCC-3'

ClinVar aggregate classification (germline): Uncertain significance (1 of 4 stars; one submission).

Submission:

Labcorp Genetics (formerly Invitae), Labcorp
Classification: Uncertain significance. Last evaluated: 2025-08-14. Review status: criteria provided, single submitter. Criteria: Invitae Variant Classification Sherloc (09022015). Collection method: clinical testing. Allele origin: germline.
Comment: This sequence change falls in intron 17 of the C3 gene. It does not directly change the encoded amino acid sequence of the C3 protein. Information on the frequency of this variant in the gnomAD database is not available, as this variant may be reported differently in the database. This variant has not been reported in the literature in individuals affected with C3-related conditions. Experimental studies and prediction algorithms are not available or were not evaluated, and the effect of this variant on mRNA splicing is currently unknown. In summary, the available evidence is currently insufficient to determine the role of this variant in disease. Therefore, it has been classified as a Variant of Uncertain Significance.